The following is an entry in ClinVar:

NM_153717.3(EVC):c.228_234del (p.Ser77fs)

Gene: EVC (EvC ciliary complex subunit 1; plus strand). Cytogenetic location: 4p16.2.
Variant type: Deletion.
Coding change: c.228_234del on transcript NM_153717.3 (MANE Select); coding-DNA positions 228 to 234, 7 bases deleted (CTCGGAA; older notation c.228_234delCTCGGAA).
Protein change: p.Ser77fs; shifts the reading frame from serine 77.
Molecular consequence: frameshift variant.
Genome position (GRCh38, 1-based): chr4:5,719,301-5,719,307, CTCGGAA deleted. VCF-style (leftmost placement, unchanged base first): chr4-5719300-CCTCGGAA-C. GRCh37 (hg19) VCF-style: chr4-5721027-CCTCGGAA-C.
Other names: c.228_234del, p.Ser77fs (NM_001306090.2, NM_001306092.2); short protein forms S77fs.
Identifiers: ClinVar variation 1725081 (VCV001725081.2), dbSNP rs2474375068, ClinGen allele CA2580070943.

ClinVar aggregate classification (germline): Likely pathogenic (1 of 4 stars; one submission).

Conditions:
Ellis-van Creveld syndrome (EVC). Also called: EVC-Related Ellis-van Creveld Syndrome; EVC2-Related Ellis-van Creveld Syndrome; MESOECTODERMAL DYSPLASIA; Chondroectodermal dysplasia. Identifiers: Orphanet 289, MedGen C0013903, MONDO:0009162, OMIM 225500.

Submission:

Myriad Genetics, Inc.
Classification: Likely pathogenic for Ellis-van Creveld syndrome. Last evaluated: 2022-03-06. Review status: criteria provided, single submitter. Criteria: Myriad Women's Health Autosomal Recessive and X-Linked Classification Criteria (2021). Collection method: clinical testing. Allele origin: unknown.
Comment: NM_153717.2(EVC):c.228_234del7(S77Lfs*37) is expected to be pathogenic in the context of EVC-related Ellis-van Creveld syndrome. This variant is predicted to lead to an abnormal or absent protein product due to the creation of a premature termination codon in EVC, a gene where loss-of-function variants are known to be pathogenic. Please note: this variant was assessed in the context of healthy population screening.